The following is an entry in ClinVar:

ClinVar aggregate classification (germline): Uncertain significance (1 of 4 stars; one submission).

Conditions:
Werner syndrome (WRN). Identifiers: Orphanet 902, MedGen C0043119, MONDO:0010196, OMIM 277700.

Submission:

Labcorp Genetics (formerly Invitae), Labcorp
Classification: Uncertain significance for Werner syndrome. Last evaluated: 2024-04-08. Review status: criteria provided, single submitter. Criteria: Invitae Variant Classification Sherloc (09022015). Collection method: clinical testing. Allele origin: germline.
Comment: This sequence change replaces leucine, which is neutral and non-polar, with arginine, which is basic and polar, at codon 184 of the WRN protein (p.Leu184Arg). This variant is not present in population databases (gnomAD no frequency). This variant has not been reported in the literature in individuals affected with WRN-related conditions. ClinVar contains an entry for this variant (Variation ID: 1360797). An algorithm developed to predict the effect of missense changes on protein structure and function (PolyPhen-2) suggests that this variant is likely to be disruptive. In summary, the available evidence is currently insufficient to determine the role of this variant in disease. Therefore, it has been classified as a Variant of Uncertain Significance.

NM_000553.6(WRN):c.551T>G (p.Leu184Arg)

Gene: WRN (WRN RecQ like helicase; plus strand). Cytogenetic location: 8p12.
Variant type: single nucleotide variant.
Coding change: c.551T>G on transcript NM_000553.6 (MANE Select); coding-DNA position 551, T replaced by G.
Protein change: p.Leu184Arg; replaces leucine 184 with arginine.
Molecular consequence: missense variant.
Genome position (GRCh38, 1-based): chr8:31,067,079, T>G. VCF-style: chr8-31067079-T-G. GRCh37 (hg19) VCF-style: chr8-30924595-T-G.
Other names: short protein forms L184R.
Identifiers: ClinVar variation 1360797 (VCV001360797.8), dbSNP rs1812736168, ClinGen allele CA370916018.